The following is an entry in ClinVar:

ClinVar aggregate classification (germline): Uncertain significance. Review status: criteria provided, multiple submitters, no conflicts (2 of 4 stars). 2 submissions from 2 submitters: Uncertain significance (2). Last evaluated 2024-07-15.

Conditions:
Charcot-Marie-Tooth disease type 2. Also called: Charcot-Marie-Tooth type 2. Identifiers: Orphanet 64746, MedGen C0270914, MONDO:0018993.

gnomAD v4.1: 4 of 1,614,092 alleles (0.00025%); highest among the groups gnomAD compares: Admixed American, 0.0017%; no homozygotes.

Submissions (2):

Blueprint Genetics
Classification: Uncertain significance. Last evaluated: 2024-07-15. Review status: criteria provided, single submitter. Criteria: ACMG Guidelines, 2015. Collection method: clinical testing. Allele origin: germline.

Labcorp Genetics (formerly Invitae), Labcorp
Classification: Uncertain significance for Charcot-Marie-Tooth disease type 2. Last evaluated: 2022-08-03. Review status: criteria provided, single submitter. Criteria: Invitae Variant Classification Sherloc (09022015). Collection method: clinical testing. Allele origin: germline.
Comment: In summary, the available evidence is currently insufficient to determine the role of this variant in disease. Therefore, it has been classified as a Variant of Uncertain Significance. Algorithms developed to predict the effect of sequence changes on RNA splicing suggest that this variant may disrupt the consensus splice site. This variant has been observed in individual(s) with MFN2-related conditions (Invitae). This variant is present in population databases (no rsID available, gnomAD 0.003%). This sequence change falls in intron 9 of the MFN2 gene. It does not directly change the encoded amino acid sequence of the MFN2 protein.

NM_014874.4(MFN2):c.971-10A>G

Gene: MFN2 (mitofusin 2; plus strand). Cytogenetic location: 1p36.22.
Variant type: single nucleotide variant.
Coding change: c.971-10A>G on transcript NM_014874.4 (MANE Select); 10 bases into the intron before coding-DNA position 971, A replaced by G.
Molecular consequence: intron variant.
Genome position (GRCh38, 1-based): chr1:12,001,759, A>G. VCF-style: chr1-12001759-A-G. GRCh37 (hg19) VCF-style: chr1-12061816-A-G.
Other names: c.971-10A>G (NM_001127660.2).
Identifiers: ClinVar variation 2171930 (VCV002171930.5), dbSNP rs1453045695, ClinGen allele CA521455938.